The following is an entry in ClinVar:

NM_004239.4(TRIP11):c.3413A>G (p.Asp1138Gly)

Gene: TRIP11 (thyroid hormone receptor interactor 11; minus strand). Cytogenetic location: 14q32.12.
Variant type: single nucleotide variant.
Coding change: c.3413A>G on transcript NM_004239.4 (MANE Select); coding-DNA position 3413, A replaced by G.
Protein change: p.Asp1138Gly; replaces aspartic acid 1138 with glycine.
Molecular consequence: missense variant.
Genome position (GRCh38, 1-based): chr14:92,004,563, T>C on the plus strand (A>G on the coding strand, the complement: TRIP11 is on the minus strand). VCF-style: chr14-92004563-T-C. GRCh37 (hg19) VCF-style: chr14-92470907-T-C.
Other names: c.3410A>G, p.Asp1137Gly (NM_001321851.1); short protein forms D1138G, D1137G.
Identifiers: ClinVar variation 886444 (VCV000886444.10), dbSNP rs749388466, ClinGen allele CA7313634.

ClinVar aggregate classification (germline): Uncertain significance. Review status: criteria provided, multiple submitters, no conflicts (2 of 4 stars). 3 submissions from 3 submitters: Uncertain significance (3). Last evaluated 2025-01-13.

Conditions:
Inborn genetic diseases. Identifiers: MedGen C0950123, MeSH D030342.
Achondrogenesis, type IA (ACG1A). Identifiers: Orphanet 932, Orphanet 93299, MedGen C0265273, MONDO:0008701, OMIM 200600.

Allele frequency attached by ClinVar (database versions not stated): gnomAD exomes 0.00003 and 0.00009; TOPMed 0.00006; ExAC 0.00008.
gnomAD v4.1: 47 of 1,613,718 alleles (0.0029%); highest among the groups gnomAD compares: Admixed American, 0.043%; no homozygotes.

Submissions (3):

Labcorp Genetics (formerly Invitae), Labcorp
Classification: Uncertain significance for Achondrogenesis, type IA. Last evaluated: 2025-01-13. Review status: criteria provided, single submitter. Criteria: Invitae Variant Classification Sherloc (09022015). Collection method: clinical testing. Allele origin: germline.
Comment: This sequence change replaces aspartic acid, which is acidic and polar, with glycine, which is neutral and non-polar, at codon 1138 of the TRIP11 protein (p.Asp1138Gly). This variant is present in population databases (rs749388466, gnomAD 0.05%). This variant has not been reported in the literature in individuals affected with TRIP11-related conditions. ClinVar contains an entry for this variant (Variation ID: 886444). Invitae Evidence Modeling of protein sequence and biophysical properties (such as structural, functional, and spatial information, amino acid conservation, physicochemical variation, residue mobility, and thermodynamic stability) indicates that this missense variant is not expected to disrupt TRIP11 protein function with a negative predictive value of 80%. In summary, the available evidence is currently insufficient to determine the role of this variant in disease. Therefore, it has been classified as a Variant of Uncertain Significance.

Ambry Genetics
Classification: Uncertain significance for Inborn genetic diseases. Last evaluated: 2023-09-29. Review status: criteria provided, single submitter. Criteria: Ambry Variant Classification Scheme 2023. Collection method: clinical testing. Allele origin: germline.

Illumina Laboratory Services, Illumina
Classification: Uncertain significance for Achondrogenesis, type IA. Last evaluated: 2018-01-13. Review status: criteria provided, single submitter. Criteria: ICSL Variant Classification Criteria 13 December 2019. Collection method: clinical testing. Allele origin: germline.